The following is an entry in ClinVar:

ClinVar aggregate classification (germline): Uncertain significance. Review status: criteria provided, multiple submitters, no conflicts (2 of 4 stars). 2 submissions from 2 submitters: Uncertain significance (2). Last evaluated 2026-01-18.

Allele frequency attached by ClinVar (database versions not stated): gnomAD 0.00013; gnomAD exomes 0.00014 and 0.00021; ExAC 0.00016; ESP Exome Variant Server 0.00023.
gnomAD v4.1: 223 of 1,613,986 alleles (0.014%); highest among the groups gnomAD compares: Middle Eastern, 0.016%; no homozygotes.

Submissions (2):

Labcorp Genetics (formerly Invitae), Labcorp
Classification: Uncertain significance. Last evaluated: 2026-01-18. Review status: criteria provided, single submitter. Criteria: Invitae Variant Classification Sherloc (09022015). Collection method: clinical testing. Allele origin: germline.
Comment: This sequence change replaces valine, which is neutral and non-polar, with methionine, which is neutral and non-polar, at codon 1669 of the FBN3 protein (p.Val1669Met). This variant is present in population databases (rs147989381, gnomAD 0.2%), and has an allele count higher than expected for a pathogenic variant. This variant has not been reported in the literature in individuals affected with FBN3-related conditions. ClinVar contains an entry for this variant (Variation ID: 1518259). An algorithm developed to predict the effect of missense changes on protein structure and function outputs the following: PolyPhen-2: "Benign". The methionine amino acid residue is found in multiple mammalian species, which suggests that this missense change does not adversely affect protein function. In summary, the available evidence is currently insufficient to determine the role of this variant in disease. Therefore, it has been classified as a Variant of Uncertain Significance.

Ambry Genetics
Classification: Uncertain significance. Last evaluated: 2021-06-11. Review status: criteria provided, single submitter. Criteria: Ambry Variant Classification Scheme 2023. Collection method: clinical testing. Allele origin: germline.

NM_032447.5(FBN3):c.5005G>A (p.Val1669Met)

Gene: FBN3 (fibrillin 3; minus strand). Cytogenetic location: 19p13.2.
Variant type: single nucleotide variant.
Coding change: c.5005G>A on transcript NM_032447.5 (MANE Select); coding-DNA position 5005, G replaced by A.
Protein change: p.Val1669Met; replaces valine 1669 with methionine.
Molecular consequence: missense variant.
Genome position (GRCh38, 1-based): chr19:8,102,808, C>T on the plus strand (G>A on the coding strand, the complement: FBN3 is on the minus strand). VCF-style: chr19-8102808-C-T. GRCh37 (hg19) VCF-style: chr19-8167692-C-T.
Other names: c.5005G>A, p.Val1669Met (NM_001321431.2); c.5005G>A (NM_032447.3); short protein forms V1669M.
Identifiers: ClinVar variation 1518259 (VCV001518259.7), dbSNP rs147989381, ClinGen allele CA9151838.